The following is an entry in ClinVar:

NM_000540.3(RYR1):c.10347+11_10347+23del

Gene: RYR1 (ryanodine receptor 1; plus strand). Cytogenetic location: 19q13.2.
Variant type: Deletion.
Coding change: c.10347+11_10347+23del on transcript NM_000540.3 (MANE Select); bases 11 to 23 of the intron after coding-DNA position 10347, 13 bases deleted (ACCCCAACCGCCC).
Molecular consequence: intron variant.
Genome position (GRCh38, 1-based): chr19:38,523,126-38,523,138, ACCCCAACCGCCC deleted; deleting any 13 consecutive bases within chr19:38,523,122-38,523,138 gives the same sequence; the c. name uses the placement nearest the transcript's 3' end. VCF-style (leftmost placement, unchanged base first): chr19-38523121-TGCCCACCCCAACC-T. GRCh37 (hg19) VCF-style: chr19-39013761-TGCCCACCCCAACC-T.
Other names: c.10347+11_10347+23del (NM_001042723.2).
Identifiers: ClinVar variation 3070965 (VCV003070965.1), dbSNP rs2514462907, ClinGen allele CA2576771488.

ClinVar aggregate classification (germline): Uncertain significance (1 of 4 stars; one submission).

Conditions:
Malignant hyperthermia, susceptibility to, 1 (MHS1). Also called: Anesthesia related hyperthermia; Malignant hyperpyrexia; Fulminating hyperpyrexia; Pharmacogenic myopathy; RYR1-Related Malignant Hyperthermia Susceptibility; Malignant hyperthermia suceptibility 1. Identifiers: Orphanet 423, MedGen C2930980, MONDO:0007783, OMIM 145600.

Submission:

All of Us Research Program, National Institutes of Health
Classification: Uncertain significance for Malignant hyperthermia, susceptibility to, 1. Last evaluated: 2023-05-15. Review status: criteria provided, single submitter. Criteria: ACMG Guidelines, 2015. Collection method: clinical testing. Allele origin: germline. Inheritance: Autosomal dominant inheritance. Observed: 1 variant allele, 1 heterozygote.
Comment: This variant causes a deletion of 13 nucleotides in intron 68 of the RYR1 gene. To our knowledge, functional studies have not been reported for this variant. This variant has not been reported in individuals affected with RYR1-related disorders in the literature. This variant has not been identified in the general population by the Genome Aggregation Database (gnomAD). The available evidence is insufficient to determine the role of this variant in disease conclusively. Therefore, this variant is classified as a Variant of Uncertain Significance.

This study involves interpretation of variants in research participants for the purpose of population health screening. Participant phenotype was not available at the time of variant classification. Additional details can be found in publication PMID: 35346344, PMCID: PMC8962531